The following is an entry in ClinVar:

NM_182961.4(SYNE1):c.5105T>C (p.Leu1702Pro)

Gene: SYNE1 (spectrin repeat containing nuclear envelope protein 1; minus strand). Cytogenetic location: 6q25.2.
Variant type: single nucleotide variant.
Coding change: c.5105T>C on transcript NM_182961.4 (MANE Select); coding-DNA position 5105, T replaced by C.
Protein change: p.Leu1702Pro; replaces leucine 1702 with proline.
Molecular consequence: missense variant.
Genome position (GRCh38, 1-based): chr6:152,425,543, A>G on the plus strand (T>C on the coding strand, the complement: SYNE1 is on the minus strand). VCF-style: chr6-152425543-A-G. GRCh37 (hg19) VCF-style: chr6-152746678-A-G.
Other names: c.5126T>C, p.Leu1709Pro (NM_033071.5); short protein forms L1702P, L1709P.
Identifiers: ClinVar variation 1988906 (VCV001988906.4), dbSNP rs2498032890, ClinGen allele CA366138343.

ClinVar aggregate classification (germline): Uncertain significance (1 of 4 stars; one submission).

Conditions:
Autosomal recessive ataxia, Beauce type. Also called: SYNE1 Deficiency; Spinocerebellar ataxia, autosomal recessive 8; ATAXIA, RECESSIVE, OF BEAUCE; SYNE1-Related Autosomal Recessive Cerebellar Ataxia. Identifiers: Orphanet 88644, MedGen C1853116, MONDO:0012549, OMIM 610743.
Emery-Dreifuss muscular dystrophy 4, autosomal dominant (EDMD4). Also called: EMERY-DREIFUSS MUSCULAR DYSTROPHY 4 WITH VARIABLE FEATURES. Identifiers: Orphanet 261, MedGen C2751807, MONDO:0013071, OMIM 612998.

Submission:

Labcorp Genetics (formerly Invitae), Labcorp
Classification: Uncertain significance for Emery-Dreifuss muscular dystrophy 4, autosomal dominant; Autosomal recessive ataxia, Beauce type. Last evaluated: 2022-03-12. Review status: criteria provided, single submitter. Criteria: Invitae Variant Classification Sherloc (09022015). Collection method: clinical testing. Allele origin: germline.
Comment: This sequence change replaces leucine, which is neutral and non-polar, with proline, which is neutral and non-polar, at codon 1709 of the SYNE1 protein (p.Leu1709Pro). This variant is not present in population databases (gnomAD no frequency). This variant has not been reported in the literature in individuals affected with SYNE1-related conditions. Algorithms developed to predict the effect of missense changes on protein structure and function are either unavailable or do not agree on the potential impact of this missense change (SIFT: "Deleterious"; PolyPhen-2: "Possibly Damaging"; Align-GVGD: "Class C0"). In summary, the available evidence is currently insufficient to determine the role of this variant in disease. Therefore, it has been classified as a Variant of Uncertain Significance.